The following is an entry in ClinVar:

ClinVar aggregate classification (germline): Pathogenic. Review status: criteria provided, multiple submitters, no conflicts (2 of 4 stars). 6 submissions from 6 submitters: Pathogenic (5). 1 of the submissions does not count toward it. Last evaluated 2026-05-05.

Conditions:
CDH23-related disorder. Also called: CDH23-related disorders; CDH23-related condition.
Usher syndrome type 1 (USH1). Also called: RETINITIS PIGMENTOSA AND CONGENITAL DEAFNESS. Identifiers: Orphanet 231169, Orphanet 886, MedGen C1568247, MONDO:0010168, OMIM 276900.
Usher syndrome type 1D (USH1D). Also called: USHER SYNDROME, TYPE ID. Identifiers: Orphanet 231169, Orphanet 886, MedGen C1832845, MONDO:0010984, OMIM 601067.
Pituitary adenoma 5, multiple types. Identifiers: MedGen C4539685, MONDO:0054601, OMIM 617540.

Allele frequency attached by ClinVar (database versions not stated): TOPMed 0.00001.
gnomAD v4.1: 2 of 1,613,956 alleles (0.00012%); highest among the groups gnomAD compares: South Asian, 0.0011%; no homozygotes.

Submissions (6):

PreventionGenetics, part of Exact Sciences
Classification: Pathogenic for CDH23-related condition. Last evaluated: 2026-05-05. Review status: criteria provided, single submitter. Criteria: ACMG Guidelines, 2015. Collection method: clinical testing. Allele origin: germline.
Comment: The CDH23 c.8432G>A variant is predicted to result in premature protein termination (p.Trp2811*). This variant has been reported in an individual with Usher syndrome (Bonnet et al. 2016. PubMed ID: 27460420). This variant has not been reported in a large population database (gnomAD), indicating this variant is rare. Nonsense variants in CDH23 are expected to be pathogenic. This variant is interpreted as pathogenic.

Natera, Inc.
Classification: Pathogenic for Usher syndrome type 1. Last evaluated: 2025-05-08. Review status: criteria provided, single submitter. Criteria: Natera Variant Classification Schema (03/2026). Collection method: clinical testing. Allele origin: germline.
Comment: The c.8432G>A variant in CDH23 is a nonsense variant predicted to introduce a stop codon at amino acid 2811. This variant is expected to result in nonsense mediated decay, truncation, or a dysfunctional protein product. This variant is rare in the general population with a frequency below the threshold expected for the associated phenotype(s). This variant has been observed in one or more individuals affected with the associated recessive disease, as either homozygous or compound heterozygous with a second variant (PMID: 27460420). Given the available evidence, this variant is classified as Pathogenic.

GeneDx
Classification: Pathogenic. Last evaluated: 2024-10-28. Review status: criteria provided, single submitter. Criteria: GeneDx Variant Classification Process June 2021. Collection method: clinical testing. Allele origin: germline. Affected: yes.
Comment: Nonsense variant predicted to result in protein truncation or nonsense mediated decay in a gene for which loss of function is a known mechanism of disease; Not observed at significant frequency in large population cohorts (gnomAD); This variant is associated with the following publications: (PMID: 27460420)

Baylor Genetics
Classification: Pathogenic for Pituitary adenoma 5, multiple types. Last evaluated: 2024-03-05. Review status: criteria provided, single submitter. Criteria: ACMG Guidelines, 2015. Collection method: clinical testing. Allele origin: unknown.

Labcorp Genetics (formerly Invitae), Labcorp
Classification: Pathogenic. Last evaluated: 2022-12-12. Review status: criteria provided, single submitter. Criteria: Invitae Variant Classification Sherloc (09022015). Collection method: clinical testing. Allele origin: germline.
Comment: For these reasons, this variant has been classified as Pathogenic. ClinVar contains an entry for this variant (Variation ID: 1071895). This premature translational stop signal has been observed in individual(s) with Usher syndrome (PMID: 27460420). This variant is not present in population databases (gnomAD no frequency). This sequence change creates a premature translational stop signal (p.Trp2811*) in the CDH23 gene. It is expected to result in an absent or disrupted protein product. Loss-of-function variants in CDH23 are known to be pathogenic (PMID: 11138009, 21940737).

Clinical Genomics Laboratory, Stanford Medicine
Classification: Pathogenic for Usher syndrome type 1D. Last evaluated: 2021-04-14. Review status: no assertion criteria provided. Collection method: clinical testing. Allele origin: germline. Inheritance: Autosomal recessive inheritance. Affected: yes. Observed: 1 heterozygote. Not counted in ClinVar's aggregate classification.
Comment: The p.Trp2811* variant in the CDH23 gene has been previously reported in 1 unrelated individual with Usher syndrome, who also was reported to carry p.Asp2148Asn, a disease-associated variant in CDH23, although phase was not reported (Bonnet et al., 2016). The p.Trp2811* variant was absent from large population databases, including the Genome Aggregation Database. This variant leads to a premature stop codon in exon 59 of 70 coding exons, and is therefore predicted to undergo nonsense-mediated decay resulting in a truncated or absent protein. Loss of function is an established mechanism of disease for the CDH23 gene. These data were assessed using the ACMG/AMP variant interpretation guidelines. In summary, there is sufficient evidence to classify the p.Trp2811* variant as pathogenic for Usher syndrome type ID in an autosomal recessive manner based on the information above. [ACMG evidence codes used: PVS1; PM3_supporting; PM2]

Literature cited by the submitters: PubMed 27460420 (cited by Natera, Inc. and Labcorp Genetics (formerly Invitae), Labcorp); PubMed 11138009 (cited by Labcorp Genetics (formerly Invitae), Labcorp); PubMed 21940737 (cited by Labcorp Genetics (formerly Invitae), Labcorp).

NM_022124.6(CDH23):c.8432G>A (p.Trp2811Ter)

Gene: CDH23 (cadherin related 23; plus strand). Cytogenetic location: 10q22.1.
Variant type: single nucleotide variant.
Coding change: c.8432G>A on transcript NM_022124.6 (MANE Select); coding-DNA position 8432, G replaced by A.
Protein change: p.Trp2811Ter; replaces tryptophan 2811 with a stop codon.
Molecular consequence: nonsense.
Genome position (GRCh38, 1-based): chr10:71,807,639, G>A. VCF-style: chr10-71807639-G-A. GRCh37 (hg19) VCF-style: chr10-73567396-G-A.
Other names: p.Trp2811*; c.1712G>A, p.Trp571Ter (NM_001171933.1, NM_001171934.1); c.8432G>A (NM_022124.5); short protein forms W2811*, W571*.
Identifiers: ClinVar variation 1071895 (VCV001071895.13), dbSNP rs1841773052, ClinGen allele CA377131534.
Genomic context (GRCh38, chr10:71,807,639, plus strand): 5'-TGGACCGGGAGCGAGAAGCCATCTTCTCCTTCATCGTCAAGGCCTCCAGCAATCGCAGCT[G>A]GACACCTCCCCGTGGACCCTCCCCAACCCTCGACCTGGTTGCTGACCTCACACTGCAGGA-3'